The following is an entry in ClinVar:

NM_001379500.1(COL18A1):c.2068-11T>G

Gene: COL18A1 (collagen type XVIII alpha 1 chain; plus strand). Cytogenetic location: 21q22.3.
Variant type: single nucleotide variant.
Coding change: c.2068-11T>G on transcript NM_001379500.1 (MANE Select); 11 bases into the intron before coding-DNA position 2068, T replaced by G.
Molecular consequence: intron variant.
Genome position (GRCh38, 1-based): chr21:45,491,214, T>G. VCF-style: chr21-45491214-T-G. GRCh37 (hg19) VCF-style: chr21-46911128-T-G.
Other names: c.3313-11T>G (NM_130444.3); c.2608-11T>G (NM_030582.4).
Identifiers: ClinVar variation 2122621 (VCV002122621.3), dbSNP rs769451817, ClinGen allele CA638163246.

ClinVar aggregate classification (germline): Uncertain significance (1 of 4 stars; one submission).

gnomAD v4.1: 1 of 1,609,218 alleles (0.000062%); highest among the groups gnomAD compares: Admixed American, 0.0017%; no homozygotes.

Submission:

Labcorp Genetics (formerly Invitae), Labcorp
Classification: Uncertain significance. Last evaluated: 2025-06-02. Review status: criteria provided, single submitter. Criteria: Invitae Variant Classification Sherloc (09022015). Collection method: clinical testing. Allele origin: germline.
Comment: This sequence change falls in intron 21 of the COL18A1 gene. It does not directly change the encoded amino acid sequence of the COL18A1 protein. This variant is present in population databases (no rsID available, gnomAD 0.003%). This variant has not been reported in the literature in individuals affected with COL18A1-related conditions. ClinVar contains an entry for this variant (Variation ID: 2122621). Algorithms developed to predict the effect of sequence changes on RNA splicing suggest that this variant may disrupt the consensus splice site. In summary, the available evidence is currently insufficient to determine the role of this variant in disease. Therefore, it has been classified as a Variant of Uncertain Significance.